The following is an entry in ClinVar:

ClinVar aggregate classification (germline): Uncertain significance (1 of 4 stars; one submission).

Conditions:
Arrhythmogenic right ventricular dysplasia 5. Also called: ARRHYTHMOGENIC RIGHT VENTRICULAR DYSPLASIA, FAMILIAL, 5; Arrhythmogenic Right Ventricular Dysplasia/Cardiomyopathy 5. Identifiers: MedGen C1858379, MONDO:0011459, OMIM 604400.

Submission:

Labcorp Genetics (formerly Invitae), Labcorp
Classification: Uncertain significance for Arrhythmogenic right ventricular dysplasia 5. Last evaluated: 2021-06-21. Review status: criteria provided, single submitter. Criteria: Invitae Variant Classification Sherloc (09022015). Collection method: clinical testing. Allele origin: germline.
Comment: This sequence change replaces glycine with aspartic acid at codon 256 of the TMEM43 protein (p.Gly256Asp). The glycine residue is moderately conserved and there is a moderate physicochemical difference between glycine and aspartic acid. This variant is not present in population databases (ExAC no frequency). This variant has not been reported in the literature in individuals with TMEM43-related conditions. Algorithms developed to predict the effect of missense changes on protein structure and function are either unavailable or do not agree on the potential impact of this missense change (SIFT: "Deleterious"; PolyPhen-2: "Benign"; Align-GVGD: "Class C0"). In summary, the available evidence is currently insufficient to determine the role of this variant in disease. Therefore, it has been classified as a Variant of Uncertain Significance.

NM_024334.3(TMEM43):c.767G>A (p.Gly256Asp)

Gene: TMEM43 (transmembrane protein 43; plus strand). Cytogenetic location: 3p25.1.
Variant type: single nucleotide variant.
Coding change: c.767G>A on transcript NM_024334.3 (MANE Select); coding-DNA position 767, G replaced by A.
Protein change: p.Gly256Asp; replaces glycine 256 with aspartic acid.
Molecular consequence: missense variant.
Genome position (GRCh38, 1-based): chr3:14,135,219, G>A. VCF-style: chr3-14135219-G-A. GRCh37 (hg19) VCF-style: chr3-14176719-G-A.
Other names: short protein forms G256D.
Identifiers: ClinVar variation 1402206 (VCV001402206.8), dbSNP rs2124991379, ClinGen allele CA351535819.
Genomic context (GRCh38, chr3:14,135,219, plus strand): 5'-TGGGAGACTTGCGTGTCTCCTTTTCCTATGCTGGACTGAGCGGCGATGACCCTGACCTGG[G>A]CCCAGCTCACGTGGTAACCTGGCTTCCCAGGGGCAGACACTAAGTCAGAGCCTCACGACT-3'
Protein context (NP_077310.1, residues 246-266): AGLSGDDPDL[Gly256Asp]PAHVVTVIAR